The following is an entry in ClinVar:

NM_000376.3(VDR):c.362G>A (p.Arg121Gln)

Gene: VDR (vitamin D receptor; minus strand). Cytogenetic location: 12q13.11.
Variant type: single nucleotide variant.
Coding change: c.362G>A on transcript NM_000376.3 (MANE Select); coding-DNA position 362, G replaced by A.
Protein change: p.Arg121Gln; replaces arginine 121 with glutamine.
Molecular consequence: missense variant.
Genome position (GRCh38, 1-based): chr12:47,857,604, C>T on the plus strand (G>A on the coding strand, the complement: VDR is on the minus strand). VCF-style: chr12-47857604-C-T. GRCh37 (hg19) VCF-style: chr12-48251387-C-T.
Other names: c.362G>A, p.Arg121Gln (NM_001017535.2, NM_001364085.2, NM_001374661.1 and 1 more transcripts); c.512G>A, p.Arg171Gln (NM_001017536.2); short protein forms R171Q, R121Q.
Identifiers: ClinVar variation 880995 (VCV000880995.10), dbSNP rs200765991, ClinGen allele CA6533957.
Genomic context (GRCh38, chr12:47,857,604, plus strand): 5'-TTATGGTGGGCGTCCAGCAGTATGGCAATGATGCGCTGCTGCTCCTCAGACAGCTTGGGC[C>T]GCAGACTGTCCTTCAAGGCCTCCTCCTCCTTCCGCTTCAGGATCATCTCCCGCTTCCTCT-3'
Protein context (NP_000367.1, residues 111-131): KEEEALKDSL[Arg121Gln]PKLSEEQQRI

ClinVar aggregate classification (germline): Uncertain significance. Review status: criteria provided, multiple submitters, no conflicts (2 of 4 stars). 5 submissions from 5 submitters: Uncertain significance (5). Last evaluated 2025-03-11.

Conditions:
Inborn genetic diseases. Identifiers: MedGen C0950123, MeSH D030342.
VDR-related disorder. Also called: VDR-related condition.
Vitamin D-dependent rickets type II with alopecia (VDDR2A). Also called: HYPOCALCEMIC VITAMIN D-RESISTANT RICKETS; VITAMIN D-DEPENDENT RICKETS, TYPE 2A, WITH OR WITHOUT ALOPECIA; VITAMIN D-RESISTANT RICKETS WITH END-ORGAN UNRESPONSIVENESS TO 1,25-DIHYDROXYCHOLECALCIFEROL; Vitamin D-dependent rickets, type 2A; GENERALIZED RESISTANCE TO 1,25-DIHYDROXYVITAMIN D; PDDR IIA. Identifiers: Orphanet 93160, MedGen C0342646, MONDO:0010186, OMIM 277440.

Allele frequency attached by ClinVar (database versions not stated): TOPMed 0.00011; ESP Exome Variant Server 0.00015; ExAC 0.00019; gnomAD exomes 0.00020 and 0.00021.
gnomAD v4.1: 317 of 1,614,074 alleles (0.02%); highest among the groups gnomAD compares: Non-Finnish European, 0.02%; no homozygotes.

Submissions (5):

PreventionGenetics, part of Exact Sciences
Classification: Uncertain significance for VDR-related condition. Last evaluated: 2025-03-11. Review status: criteria provided, single submitter. Criteria: ACMG Guidelines, 2015. Collection method: clinical testing. Allele origin: germline.
Comment: The VDR c.362G>A variant is predicted to result in the amino acid substitution p.Arg121Gln. This variant was reported in an individual with hypophosphataemia and was assessed as variant of uncertain significance (Table S2Rush et al. 2022. PubMed ID: 34633109). This variant is reported in 0.12% of alleles in individuals of European (Finnish) descent in gnomAD. Although we suspect that this variant may be benign, at this time, the clinical significance of this variant is uncertain due to the absence of conclusive functional and genetic evidence.

Blueprint Genetics
Classification: Uncertain significance. Last evaluated: 2024-11-18. Review status: criteria provided, single submitter. Criteria: ACMG Guidelines, 2015. Collection method: clinical testing. Allele origin: germline.

Ambry Genetics
Classification: Uncertain significance for Inborn genetic diseases. Last evaluated: 2024-05-01. Review status: criteria provided, single submitter. Criteria: Ambry Variant Classification Scheme 2023. Collection method: clinical testing. Allele origin: germline.

Labcorp Genetics (formerly Invitae), Labcorp
Classification: Uncertain significance. Last evaluated: 2021-12-07. Review status: criteria provided, single submitter. Criteria: Invitae Variant Classification Sherloc (09022015). Collection method: clinical testing. Allele origin: germline.
Comment: This sequence change replaces arginine, which is basic and polar, with glutamine, which is neutral and polar, at codon 121 of the VDR protein (p.Arg121Gln). This variant is present in population databases (rs200765991, gnomAD 0.1%). This variant has not been reported in the literature in individuals affected with VDR-related conditions. ClinVar contains an entry for this variant (Variation ID: 880995). Algorithms developed to predict the effect of missense changes on protein structure and function (SIFT, PolyPhen-2, Align-GVGD) all suggest that this variant is likely to be tolerated. In summary, the available evidence is currently insufficient to determine the role of this variant in disease. Therefore, it has been classified as a Variant of Uncertain Significance.

Illumina Laboratory Services, Illumina
Classification: Uncertain significance for Vitamin D-dependent rickets type II with alopecia. Last evaluated: 2018-01-12. Review status: criteria provided, single submitter. Criteria: ICSL Variant Classification Criteria 13 December 2019. Collection method: clinical testing. Allele origin: germline.